The following is an entry in ClinVar:

ClinVar aggregate classification (germline): Uncertain significance. Review status: criteria provided, multiple submitters, no conflicts (2 of 4 stars). 2 submissions from 2 submitters: Uncertain significance (2). Last evaluated 2025-11-19.

Conditions:
Von Hippel-Lindau syndrome (VHLS). Also called: VHL syndrome; von Hippel–Lindau syndrome; Von Hippel-Lindau. Identifiers: Orphanet 892, MedGen C0019562, MONDO:0008667, OMIM 193300. Disease mechanism: loss of function.
Chuvash polycythemia. Also called: POLYCYTHEMIA, VHL-DEPENDENT. Identifiers: Orphanet 238557, MedGen C1837915, MONDO:0009892, OMIM 263400.

Submissions (2):

Labcorp Genetics (formerly Invitae), Labcorp
Classification: Uncertain significance for Von Hippel-Lindau syndrome; Chuvash polycythemia. Last evaluated: 2025-11-19. Review status: criteria provided, single submitter. Criteria: Invitae Variant Classification Sherloc (09022015). Collection method: clinical testing. Allele origin: germline.
Comment: This variant occurs in a non-coding region of the VHL gene. It does not change the encoded amino acid sequence of the VHL protein. This variant is not present in population databases (gnomAD no frequency). This variant has not been reported in the literature in individuals affected with VHL-related conditions. ClinVar contains an entry for this variant (Variation ID: 3758311). Experimental studies and prediction algorithms are not available or were not evaluated, and the functional significance of this variant is currently unknown. In summary, the available evidence is currently insufficient to determine the role of this variant in disease. Therefore, it has been classified as a Variant of Uncertain Significance.

Color Diagnostics, LLC DBA Color Health
Classification: Uncertain significance for Von Hippel-Lindau syndrome. Last evaluated: 2025-06-09. Review status: criteria provided, single submitter. Criteria: ACMG Guidelines, 2015. Collection method: clinical testing. Allele origin: germline.
Comment: This variant is located in the 5' untranslated region of the VHL gene. To our knowledge, functional studies have not been reported for this variant. This variant has not been reported in individuals affected with VHL-related disorders in the literature. This variant has not been identified in the general population by the Genome Aggregation Database (gnomAD). The available evidence is insufficient to determine the role of this variant in disease conclusively. Therefore, this variant is classified as a Variant of Uncertain Significance.

NM_000551.4(VHL):c.-54_-35del

Gene: VHL (von Hippel-Lindau tumor suppressor; plus strand). Cytogenetic location: 3p25.3.
Variant type: Deletion.
Coding change: c.-54_-35del on transcript NM_000551.4 (MANE Select); 54 bases upstream of the start codon through 35 bases upstream of the start codon, 20 bases deleted (TCCGACCCGCGGATCCCGCG).
Molecular consequence: 5 prime UTR variant. On other transcripts: non-coding transcript variant (1).
Genome position (GRCh38, 1-based): chr3:10,141,794-10,141,813, TCCGACCCGCGGATCCCGCG deleted; deleting any 20 consecutive bases within chr3:10,141,788-10,141,813 gives the same sequence; the c. name uses the placement nearest the transcript's 3' end. VCF-style (leftmost placement, unchanged base first): chr3-10141787-CCCCGCGTCCGACCCGCGGAT-C. GRCh37 (hg19) VCF-style: chr3-10183471-CCCCGCGTCCGACCCGCGGAT-C.
Other names: c.-54_-35del (NM_001354723.2, NM_198156.3).
Identifiers: ClinVar variation 3758311 (VCV003758311.3).